The following is an entry in ClinVar:

NM_001083961.2(WDR62):c.226C>G (p.Leu76Val)

Gene: WDR62 (WD repeat domain 62; plus strand). Cytogenetic location: 19q13.12.
Variant type: single nucleotide variant.
Coding change: c.226C>G on transcript NM_001083961.2 (MANE Select); coding-DNA position 226, C replaced by G.
Protein change: p.Leu76Val; replaces leucine 76 with valine.
Molecular consequence: missense variant.
Genome position (GRCh38, 1-based): chr19:36,058,828, C>G. VCF-style: chr19-36058828-C-G. GRCh37 (hg19) VCF-style: chr19-36549730-C-G.
Other names: c.226C>G, p.Leu76Val (NM_001411145.1, NM_001411146.1, NM_001411147.1 and 1 more transcripts); short protein forms L76V.
Identifiers: ClinVar variation 1952732 (VCV001952732.5), dbSNP rs1240727813, ClinGen allele CA405425081.

ClinVar aggregate classification (germline): Uncertain significance (1 of 4 stars; one submission).

Allele frequency attached by ClinVar (database versions not stated): gnomAD exomes below 0.00001.
gnomAD v4.1: 1 of 1,614,254 alleles (0.000062%); highest among the groups gnomAD compares: Non-Finnish European, 0.000085%; no homozygotes.

Submission:

Labcorp Genetics (formerly Invitae), Labcorp
Classification: Uncertain significance. Last evaluated: 2025-07-31. Review status: criteria provided, single submitter. Criteria: Invitae Variant Classification Sherloc (09022015). Collection method: clinical testing. Allele origin: germline.
Comment: This sequence change replaces leucine, which is neutral and non-polar, with valine, which is neutral and non-polar, at codon 76 of the WDR62 protein (p.Leu76Val). This variant is not present in population databases (gnomAD no frequency). This variant has not been reported in the literature in individuals affected with WDR62-related conditions. ClinVar contains an entry for this variant (Variation ID: 1952732). Invitae Evidence Modeling of protein sequence and biophysical properties (such as structural, functional, and spatial information, amino acid conservation, physicochemical variation, residue mobility, and thermodynamic stability) indicates that this missense variant is not expected to disrupt WDR62 protein function with a negative predictive value of 80%. In summary, the available evidence is currently insufficient to determine the role of this variant in disease. Therefore, it has been classified as a Variant of Uncertain Significance.